The following is an entry in ClinVar:

NM_001034853.2(RPGR):c.28+2T>C

Genes: RPGR (retinitis pigmentosa GTPase regulator; minus strand), LOC130068098 (ATAC-STARR-seq lymphoblastoid silent region 20735; plus strand). Cytogenetic location: Xp11.4.
Variant type: single nucleotide variant.
Coding change: c.28+2T>C on transcript NM_001034853.2 (MANE Select); the canonical splice donor site of the intron after coding-DNA position 28, T replaced by C.
Molecular consequence: splice donor variant.
Genome position (GRCh38, 1-based): chrX:38,327,338, A>G on the plus strand (T>C on the coding strand, the complement: RPGR is on the minus strand). VCF-style: chrX-38327338-A-G. GRCh37 (hg19) VCF-style: chrX-38186591-A-G.
Other names: NM_001034853.2:c.28+2T>C; c.28+2T>C (NM_001367249.1, NM_001367250.1, NM_001367245.1 and 4 more transcripts).
Identifiers: ClinVar variation 4976906 (VCV004976906.1).

ClinVar aggregate classification (germline): Pathogenic (3 of 4 stars; one submission).

Conditions:
RPGR-related retinopathy. Also called: RPGR retinopathy. Identifiers: MedGen CN305589, MONDO:0100437.

Submission:

ClinGen X-linked Inherited Retinal Disease Variant Curation Expert Panel, ClinGen
Classification: Pathogenic for RPGR-related retinopathy. Last evaluated: 2026-09-26. Review status: reviewed by expert panel. Criteria: ClinGen X LinkedIRD ACMG Specifications RPGR V1.0.0. Collection method: curation. Allele origin: germline. Inheritance: X-linked inheritance.
Comment: The NM_001034853.2(RPGR):c.28+2T>C variant is a canonical splice site variant in intron 1, located 2 nucleotides before exon 1. This variant occurs at a canonical splice site in intron 1 and is predicted to disrupt splicing and induce skipping of exon 1, which is expected to introduce a premature stop codon in RPGR (PVS1). This variant is found in the +/- 1,2 dinucleotide and meets PVS1 (met) and another variant, c.28+1G>A, was previously classified as pathogenic in the same donor/acceptor +/-1,2 dinucleotide for the RPGR-related retinopathy by ClinGen X-linked IRD VCEP (PS1_supporting). This variant is absent from hemizygous individuals in gnomAD v4.1.0 (PM2_Supporting). This variant has been reported in at least 2 apparently unrelated probands (PMID: 30105367, 36819107). However, the number of individuals meeting the PS4 requirement of being a male with some functional vision impairment by age 30 and/or decreased or absent ERG responses, or a female with functional visual abnormality and documentation of a male relative affected with retinitis pigmentosa was fewer than the requirement of at least 2 unrelated probands, so PS4_Supporting was not met. In summary, this variant is classified as pathogenic for RPGR-related retinopathy based on the ClinGen X-linked Inherited Retinal Disease Expert Panel Specifications to the ACMG/AMP Variant Interpretation Guidelines for RPGR Version 1.0.0: PVS1, PS1_Supporting, and PM2_Supporting.